The following is an entry in ClinVar:

ClinVar aggregate classification (germline): Likely benign (1 of 4 stars; one submission).

Allele frequency attached by ClinVar (database versions not stated): TOPMed 0.00012; gnomAD 0.00035; gnomAD exomes 0.00057; 1000 Genomes Project 0.00080; ExAC 0.00129; 1000 Genomes Project 30x 0.00203.
gnomAD v4.1: 862 of 1,559,468 alleles (0.055%); highest among the groups gnomAD compares: South Asian, 0.74%; 11 homozygotes.

Submission:

CeGaT Center for Human Genetics Tuebingen
Classification: Likely benign. Last evaluated: 2025-06-01. Review status: criteria provided, single submitter. Criteria: CeGaT Center For Human Genetics Tuebingen Variant Classification Criteria Version 2. Collection method: clinical testing. Allele origin: germline. Affected: yes. Observed: 2 variant alleles.
Comment: BMP8A: PP2, BS2

NM_181809.4(BMP8A):c.256G>A (p.Gly86Ser)

Gene: BMP8A (bone morphogenetic protein 8a; plus strand). Cytogenetic location: 1p34.3.
Variant type: single nucleotide variant.
Coding change: c.256G>A on transcript NM_181809.4 (MANE Select); coding-DNA position 256, G replaced by A.
Protein change: p.Gly86Ser; replaces glycine 86 with serine.
Molecular consequence: missense variant.
Genome position (GRCh38, 1-based): chr1:39,492,247, G>A. VCF-style: chr1-39492247-G-A. GRCh37 (hg19) VCF-style: chr1-39957919-G-A.
Other names: short protein forms G86S.
Identifiers: ClinVar variation 3024983 (VCV003024983.22), dbSNP rs532376246, ClinGen allele CA784997.
Genomic context (GRCh38, chr1:39,492,247, plus strand): 5'-GCCTCCCGGCTGCCCGCGTCCGCGCCGCTCTTCATGCTGGACCTGTACCACGCCATGGCT[G>A]GCGACGACGACGAGGACGGCGCGCCCGCGGAGCAGCGCCTGGGCCGCGCCGACCTGGTCA-3'
Protein context (NP_861525.2, residues 76-96): FMLDLYHAMA[Gly86Ser]DDDEDGAPAE